The following is an entry in ClinVar:

ClinVar aggregate classification (germline): Likely pathogenic (1 of 4 stars; one submission).

Submission:

Dasa
Classification: Likely pathogenic. Last evaluated: 2026-01-18. Review status: criteria provided, single submitter. Criteria: DASA Assertion Criteria. Collection method: clinical testing. Allele origin: germline.
Comment: NM_001375380.1(EBF3):c.554+1del affects a canonical splice site and is predicted to disrupt normal RNA splicing. Loss of function is an established disease mechanism for EBF3 (PMID: 28017373; PMID: 28017370; PMID: 35340043). This variant affects a canonical splice-site context with prior evidence supporting clinical relevance. Published studies describe this variant in association with related phenotype (PMID: 28017370). Also, this variant is absent from population databases. Based on the currently available evidence, this variant is classified as likely pathogenic.

Literature cited by the submitters: PubMed 28017370; PubMed 28017373; PubMed 35340043.

NM_001375380.1(EBF3):c.554+1del

Gene: EBF3 (EBF transcription factor 3; minus strand). Cytogenetic location: 10q26.3.
Variant type: Deletion.
Coding change: c.554+1del on transcript NM_001375380.1 (MANE Select); the canonical splice donor site of the intron after coding-DNA position 554, one base deleted (G; older notation c.554+1delG).
Molecular consequence: splice donor variant.
Genome position (GRCh38, 1-based): chr10:129,957,257, C deleted on the plus strand (G on the coding strand, the reverse complement: EBF3 is on the minus strand); the first of 2 consecutive C bases (chr10:129,957,257-129,957,258); deleting either gives the same sequence. VCF-style (leftmost placement, unchanged base first): chr10-129957256-AC-A. GRCh37 (hg19) VCF-style: chr10-131755520-AC-A.
Other names: c.554+1del (NM_001375392.1, NM_001005463.3, NM_001375390.1 and 3 more transcripts).
Identifiers: ClinVar variation 4886475 (VCV004886475.2).